The following is an entry in ClinVar:

NM_030662.4(MAP2K2):c.674A>C (p.Asn225Thr)

Gene: MAP2K2 (mitogen-activated protein kinase kinase 2; minus strand). Cytogenetic location: 19p13.3.
Variant type: single nucleotide variant.
Coding change: c.674A>C on transcript NM_030662.4 (MANE Select); coding-DNA position 674, A replaced by C.
Protein change: p.Asn225Thr; replaces asparagine 225 with threonine.
Molecular consequence: missense variant.
Genome position (GRCh38, 1-based): chr19:4,101,050, T>G on the plus strand (A>C on the coding strand, the complement: MAP2K2 is on the minus strand). VCF-style: chr19-4101050-T-G. GRCh37 (hg19) VCF-style: chr19-4101048-T-G.
Other names: short protein forms N225T.
Identifiers: ClinVar variation 1878795 (VCV001878795.4), dbSNP rs1288061001, ClinGen allele CA403388415.

ClinVar aggregate classification (germline): Uncertain significance. Review status: criteria provided, multiple submitters, no conflicts (2 of 4 stars). 3 submissions from 3 submitters: Uncertain significance (3). Last evaluated 2023-04-17.

Conditions:
Cardiovascular phenotype. Identifiers: MedGen CN230736.

gnomAD v4.1: 1 of 1,577,556 alleles (0.000063%); no homozygotes.

Submissions (3):

Ambry Genetics
Classification: Uncertain significance for Cardiovascular phenotype. Last evaluated: 2023-04-17. Review status: criteria provided, single submitter. Criteria: Ambry Variant Classification Scheme 2023. Collection method: clinical testing. Allele origin: germline.
Comment: The p.N225T variant (also known as c.674A>C), located in coding exon 6 of the MAP2K2 gene, results from an A to C substitution at nucleotide position 674. The asparagine at codon 225 is replaced by threonine, an amino acid with similar properties. This amino acid position is conserved. In addition, this alteration is predicted to be tolerated by in silico analysis. Since supporting evidence is limited at this time, the clinical significance of this alteration remains unclear.

GeneDx
Classification: Uncertain significance. Last evaluated: 2022-07-13. Review status: criteria provided, single submitter. Criteria: GeneDx Variant Classification Process June 2021. Collection method: clinical testing. Allele origin: germline. Affected: yes.
Comment: Not observed at significant frequency in large population cohorts (gnomAD); Missense variants in this gene are often considered pathogenic (HGMD); In silico analysis supports that this missense variant has a deleterious effect on protein structure/function; Has not been previously published as pathogenic or benign to our knowledge; This variant is associated with the following publications: (PMID: 24077912, 29493581)

Blueprint Genetics
Classification: Uncertain significance. Last evaluated: 2021-05-07. Review status: criteria provided, single submitter. Criteria: ACMG Guidelines, 2015. Collection method: clinical testing. Allele origin: germline.